The following continues an entry in ClinVar:

NM_000551.4(VHL):c.3G>A (p.Met1Ile)

Gene: VHL. ClinVar aggregate classification (germline): Benign. Benign (1).

Submissions 12 to 16 of 16:

Sema4
Classification: Uncertain significance for Hereditary cancer-predisposing syndrome. Last evaluated: 2021-09-02. Review status: criteria provided, single submitter. Criteria: Sema4 Curation Guidelines. Collection method: curation. Allele origin: germline. Not counted in ClinVar's aggregate classification.
Comment: The VHL c.3G>A (p.M1?) variant has been reported in one individual with clear cell renal cell carcinoma (PMID: 31034483). It has also been reported in individuals from ancestrally-diverse, healthy cohort (24728327). This variant impacts the initiation codon thereby possibly disrupting the protein function. However, studies demonstrated that a shorter VHL protein which initiates from a downstream methionine at residue p.54, is also expressed. This shorter VHL protein has been shown to function similarly to the full length, normal protein (PMID: 9671762, 9751722, 23541568). Knock-in mice with the first translational initiation site changed from methionine to leucine (p.M1L) were reported not to exhibit phenotypic abnormalities but exhibited altered microtubule activity on the cellular level (PMID: 23541568). This variant was observed in 6/15926 chromosomes in the African/African American population, according to the Genome Aggregation Database (PMID: 32461654). The subpopulation frequency of this variant is higher than expected for a pathogenic variant based on disease/syndrome prevalence and penetrance. This variant has been reported in ClinVar (Variation ID:135406). Based on the current evidence available, this variant is interpreted as a variant of uncertain significance.

Centre for Mendelian Genomics, University Medical Centre Ljubljana
Classification: Uncertain significance for Von Hippel-Lindau syndrome. Last evaluated: 2019-12-11. Review status: criteria provided, single submitter. Criteria: ACMG Guidelines, 2015. Collection method: clinical testing. Allele origin: unknown. Affected: yes. Not counted in ClinVar's aggregate classification.
Comment: This variant was classified as: Uncertain significance. The available evidence favors the benign nature of this variant, however the evidence is insufficent to prove its benign nature. The following ACMG criteria were applied in classifying this variant: No criteria apply.

Illumina Laboratory Services, Illumina
Classification: Uncertain significance for Von Hippel-Lindau syndrome. Last evaluated: 2018-01-13. Review status: criteria provided, single submitter. Criteria: ICSL Variant Classification Criteria 13 December 2019. Collection method: clinical testing. Allele origin: germline. Not counted in ClinVar's aggregate classification.

Counsyl
Classification: Uncertain significance for Von Hippel-Lindau syndrome. Last evaluated: 2016-08-23. Review status: no assertion criteria provided. Collection method: clinical testing. Allele origin: unknown. Not counted in ClinVar's aggregate classification.

ITMI
No classification provided. Condition: AllHighlyPenetrant. Last evaluated: 2013-09-19. Review status: no classification provided. Collection method: reference population. Allele origin: germline. Not counted in ClinVar's aggregate classification.
Comment: Please see associated publication for description of ethnicities

Literature cited by the submitters: PubMed 31034483 (cited by 6 submitters); PubMed 9671762 (cited by 5 submitters); PubMed 9751722 (cited by 5 submitters); PubMed 10102622 (cited by All of Us Research Program, National Institutes of Health); PubMed 23541568 (cited by 4 submitters); PubMed 24728327 (cited by 3 submitters); PubMed 11505222 (cited by Counsyl).